The following is an entry in ClinVar:

NM_001165963.4(SCN1A):c.5153T>C (p.Phe1718Ser)

Genes: SCN1A (sodium voltage-gated channel alpha subunit 1; minus strand), LOC102724058 (uncharacterized LOC102724058; plus strand). Cytogenetic location: 2q24.3.
Variant type: single nucleotide variant.
Coding change: c.5153T>C on transcript NM_001165963.4 (MANE Select); coding-DNA position 5153, T replaced by C.
Protein change: p.Phe1718Ser; replaces phenylalanine 1718 with serine.
Molecular consequence: missense variant. On other transcripts: non-coding transcript variant (1).
Genome position (GRCh38, 1-based): chr2:165,992,122, A>G on the plus strand (T>C on the coding strand, the complement: SCN1A is on the minus strand). VCF-style: chr2-165992122-A-G. GRCh37 (hg19) VCF-style: chr2-166848632-A-G.
Other names: c.5069T>C, p.Phe1690Ser (NM_001353958.2, NM_001165964.3, NM_001353957.2); c.5066T>C, p.Phe1689Ser (NM_001353960.2); c.2711T>C, p.Phe904Ser (NM_001353961.2); c.5120T>C, p.Phe1707Ser (NM_006920.6, NM_001353949.2, NM_001353950.2 and 2 more transcripts); c.5153T>C, p.Phe1718Ser (NM_001202435.3, NM_001353948.2); c.5117T>C, p.Phe1706Ser (NM_001353954.2, NM_001353955.2); short protein forms F1707S, F1718S, F1690S, F1706S, F1689S, F904S.
Identifiers: ClinVar variation 430125 (VCV000430125.2), dbSNP rs1131691793, ClinGen allele CA349068895.
Genomic context (GRCh38, chr2:165,992,122, plus strand): 5'-GGCTTACTGTTGAGAATGGGTGCTAGCAATCCATCCCAGCCAGCAGAGGTTGTAATTTGG[A>G]ATAGGCAGATCATGCTGTTGCCAAAGGTCTCAAAGTTGAACATGTCATCGATCCCAACTT-3'
Protein context (NP_001159435.1, residues 1708-1728): ETFGNSMICL[Phe1718Ser]QITTSAGWDG

ClinVar aggregate classification (germline): Pathogenic (1 of 4 stars; one submission).

Submission:

GeneDx
Classification: Pathogenic. Last evaluated: 2017-05-22. Review status: criteria provided, single submitter. Criteria: GeneDx Variant Classification (06012015). Collection method: clinical testing. Allele origin: germline. Affected: yes.
Comment: The F1718S variant has not been published as a pathogenic variant, nor has it been reported as a benign variant to our knowledge. The F1718S variant is not observed in large population cohorts (Lek et al., 2016; 1000 Genomes Consortium et al., 2015; Exome Variant Server). The F1718S variant is a non-conservative amino acid substitution, which is likely to impact secondary protein structure as these residues differ in polarity, charge, size and/or other properties. This substitution alters a conserved position predicted to be within the pore forming loop between the S5 and S6 transmembrane segments of the fourth homologous domain. In silico analysis predicts this variant is probably damaging to the protein structure/function. Furthermore, missense variants in nearby residues (S1713N, M1714K/R, C1716R, L1717P, T1721R, A1724P) have been reported in the Human Gene Mutation Database in association with SCN1A-related disorders (Stenson et al., 2014), supporting the functional importance of this region of the protein. We interpret F1718S as a pathogenic variant.